The following is an entry in ClinVar:

NM_001395380.1(PRR33):c.1412G>A (p.Arg471His)

Genes: LSP1 (lymphocyte specific protein 1; plus strand), PRR33 (proline rich 33; minus strand). Cytogenetic location: 11p15.5.
Variant type: single nucleotide variant.
Coding change: c.1412G>A on transcript NM_001395380.1 (MANE Select); coding-DNA position 1412, G replaced by A.
Protein change: p.Arg471His; replaces arginine 471 with histidine.
Molecular consequence: missense variant. On other transcripts: intron variant (6).
Genome position (GRCh38, 1-based): chr11:1,889,173, C>T on the plus strand (G>A on the coding strand, the complement: PRR33 is on the minus strand). VCF-style: chr11-1889173-C-T. GRCh37 (hg19) VCF-style: chr11-1910403-C-T.
Other names: c.*13+1597C>T (NM_002339.3, NM_001242932.2, NM_001013253.2 and 3 more transcripts); short protein forms R471H.
Identifiers: ClinVar variation 3024836 (VCV003024836.22), dbSNP rs117666547, ClinGen allele CA5815902.

ClinVar aggregate classification (germline): Benign (1 of 4 stars; one submission).

Allele frequency attached by ClinVar (database versions not stated): 1000 Genomes Project 30x 0.00187; 1000 Genomes Project 0.00220; TOPMed 0.00729; gnomAD 0.00802; gnomAD exomes 0.00913; ExAC 0.01377.
gnomAD v4.1: 5,993 of 673,694 alleles (0.89%); highest among the groups gnomAD compares: Non-Finnish European, 1.1%; 42 homozygotes.

Submission:

CeGaT Center for Human Genetics Tuebingen
Classification: Benign. Last evaluated: 2024-02-01. Review status: criteria provided, single submitter. Criteria: CeGaT Center For Human Genetics Tuebingen Variant Classification Criteria Version 2. Collection method: clinical testing. Allele origin: germline. Affected: yes. Observed: 1 variant allele.
Comment: PRR33: BP4, BS1, BS2